The following is an entry in ClinVar:

NM_000090.4(COL3A1):c.3901A>G (p.Thr1301Ala)

Gene: COL3A1 (collagen type III alpha 1 chain; plus strand). Cytogenetic location: 2q32.2.
Variant type: single nucleotide variant.
Coding change: c.3901A>G on transcript NM_000090.4 (MANE Select); coding-DNA position 3901, A replaced by G.
Protein change: p.Thr1301Ala; replaces threonine 1301 with alanine.
Molecular consequence: missense variant.
Genome position (GRCh38, 1-based): chr2:189,010,255, A>G. VCF-style: chr2-189010255-A-G. GRCh37 (hg19) VCF-style: chr2-189874981-A-G.
Other names: short protein forms T1301A.
Identifiers: ClinVar variation 2571860 (VCV002571860.2), dbSNP rs748054682, ClinGen allele CA076352.
Genomic context (GRCh38, chr2:189,010,255, plus strand): 5'-CCTAACCAAGGATGCAAATTGGATGCTATCAAGGTATTCTGTAATATGGAAACTGGGGAA[A>G]CATGCATAAGTGCCAATCCTTTGAATGTTCCACGGAAACACTGGTGGACAGATTCTAGTG-3'
Protein context (NP_000081.2, residues 1291-1311): KVFCNMETGE[Thr1301Ala]CISANPLNVP

ClinVar aggregate classification (germline): Uncertain significance (1 of 4 stars; one submission).

Allele frequency attached by ClinVar (database versions not stated): ExAC 0.00001.
gnomAD v4.1: 1 of 1,614,208 alleles (0.000062%); highest among the groups gnomAD compares: Non-Finnish European, 0.000085%; no homozygotes.

Submission:

GeneDx
Classification: Uncertain significance. Last evaluated: 2024-06-14. Review status: criteria provided, single submitter. Criteria: GeneDx Variant Classification Process June 2021. Collection method: clinical testing. Allele origin: germline. Affected: yes.
Comment: Not observed at significant frequency in large population cohorts (gnomAD); In silico analysis supports that this missense variant has a deleterious effect on protein structure/function; Not located in the triple helical region, where the majority of pathogenic missense variants occur (HGMD); Has not been previously published as pathogenic or benign to our knowledge